The following is an entry in ClinVar:

NM_014141.6(CNTNAP2):c.1340T>A (p.Ile447Asn)

Gene: CNTNAP2 (contactin associated protein 2; plus strand). Cytogenetic location: 7q35.
Variant type: single nucleotide variant.
Coding change: c.1340T>A on transcript NM_014141.6 (MANE Select); coding-DNA position 1340, T replaced by A.
Protein change: p.Ile447Asn; replaces isoleucine 447 with asparagine.
Molecular consequence: missense variant.
Genome position (GRCh38, 1-based): chr7:147,132,501, T>A. VCF-style: chr7-147132501-T-A. GRCh37 (hg19) VCF-style: chr7-146829593-T-A.
Other names: short protein forms I447N.
Identifiers: ClinVar variation 1042724 (VCV001042724.9), dbSNP rs144970713, ClinGen allele CA4546023.

ClinVar aggregate classification (germline): Uncertain significance (1 of 4 stars; one submission).

Conditions:
Cortical dysplasia-focal epilepsy syndrome (PTHSL1). Also called: Pitt-Hopkins-like syndrome 1. Identifiers: Orphanet 163681, Orphanet 221150, MedGen C2750246, MONDO:0012400, OMIM 610042.

Allele frequency attached by ClinVar (database versions not stated): TOPMed below 0.00001; ExAC 0.00001; gnomAD exomes 0.00001 and 0.00002; ESP Exome Variant Server 0.00008.
gnomAD v4.1: 25 of 1,613,528 alleles (0.0015%); highest among the groups gnomAD compares: Non-Finnish European, 0.002%; no homozygotes.

Submission:

Labcorp Genetics (formerly Invitae), Labcorp
Classification: Uncertain significance for Cortical dysplasia-focal epilepsy syndrome. Last evaluated: 2020-10-29. Review status: criteria provided, single submitter. Criteria: Invitae Variant Classification Sherloc (09022015). Collection method: clinical testing. Allele origin: germline.
Comment: In summary, the available evidence is currently insufficient to determine the role of this variant in disease. Therefore, it has been classified as a Variant of Uncertain Significance. Algorithms developed to predict the effect of missense changes on protein structure and function are either unavailable or do not agree on the potential impact of this missense change (SIFT: "Deleterious"; PolyPhen-2: "Possibly Damaging"; Align-GVGD: "Class C0"). This variant has not been reported in the literature in individuals with CNTNAP2-related conditions. This variant is present in population databases (rs144970713, ExAC 0.01%). This sequence change replaces isoleucine with asparagine at codon 447 of the CNTNAP2 protein (p.Ile447Asn). The isoleucine residue is weakly conserved and there is a large physicochemical difference between isoleucine and asparagine.